The following is an entry in ClinVar:

NM_022725.4(FANCF):c.1007A>G (p.Asp336Gly)

Genes: FANCF (FA complementation group F; minus strand), LOC130005443 (ATAC-STARR-seq lymphoblastoid active region 4533; plus strand). Cytogenetic location: 11p14.3.
Variant type: single nucleotide variant.
Coding change: c.1007A>G on transcript NM_022725.4 (MANE Select); coding-DNA position 1007, A replaced by G.
Protein change: p.Asp336Gly; replaces aspartic acid 336 with glycine.
Molecular consequence: missense variant.
Genome position (GRCh38, 1-based): chr11:22,624,804, T>C on the plus strand (A>G on the coding strand, the complement: FANCF is on the minus strand). VCF-style: chr11-22624804-T-C. GRCh37 (hg19) VCF-style: chr11-22646350-T-C.
Other names: short protein forms D336G.
Identifiers: ClinVar variation 1480002 (VCV001480002.6), dbSNP rs2133796304, ClinGen allele CA380057872.

ClinVar aggregate classification (germline): Uncertain significance (1 of 4 stars; one submission).

Conditions:
Fanconi anemia (FA). Also called: Fanconi's anemia. Identifiers: Orphanet 84, MedGen C0015625, MeSH D005199, MONDO:0019391.

Submission:

Labcorp Genetics (formerly Invitae), Labcorp
Classification: Uncertain significance for Fanconi anemia. Last evaluated: 2021-10-05. Review status: criteria provided, single submitter. Criteria: Invitae Variant Classification Sherloc (09022015). Collection method: clinical testing. Allele origin: germline.
Comment: Algorithms developed to predict the effect of missense changes on protein structure and function are either unavailable or do not agree on the potential impact of this missense change (SIFT: "Deleterious"; PolyPhen-2: "Benign"; Align-GVGD: "Class C65"). In summary, the available evidence is currently insufficient to determine the role of this variant in disease. Therefore, it has been classified as a Variant of Uncertain Significance. This variant has not been reported in the literature in individuals affected with FANCF-related conditions. This variant is not present in population databases (ExAC no frequency). This sequence change replaces aspartic acid with glycine at codon 336 of the FANCF protein (p.Asp336Gly). The aspartic acid residue is highly conserved and there is a moderate physicochemical difference between aspartic acid and glycine.